The following is an entry in ClinVar:

ClinVar aggregate classification (germline): Benign/Likely benign. Review status: criteria provided, multiple submitters, no conflicts (2 of 4 stars). 2 submissions from 2 submitters: Benign (1); Likely benign (1). Last evaluated 2024-05-01.

Conditions:
Hereditary cancer-predisposing syndrome. Also called: Neoplastic Syndromes, Hereditary; Tumor predisposition; Hereditary Cancer Syndrome; Hereditary neoplastic syndrome. Identifiers: Orphanet 140162, MedGen C0027672, MeSH D009386, MONDO:0015356.
Familial cancer of breast. Also called: BREAST CANCER, FAMILIAL; hereditary breast carcinoma; Hereditary breast cancer. Identifiers: Orphanet 227535, MedGen C0346153, MONDO:0016419, OMIM 114480. Disease mechanism: loss of function.

Submissions (2):

Myriad Genetics, Inc.
Classification: Benign for Familial cancer of breast. Last evaluated: 2024-05-01. Review status: criteria provided, single submitter. Criteria: Myriad Autosomal Dominant, Autosomal Recessive and X-Linked Classification Criteria (2023). Collection method: clinical testing. Allele origin: unknown.
Comment: This variant is considered benign. This variant is a silent/synonymous amino acid change and it is not expected to impact splicing.

Ambry Genetics
Classification: Likely benign for Hereditary cancer-predisposing syndrome. Last evaluated: 2015-07-17. Review status: criteria provided, single submitter. Criteria: Ambry Variant Classification Scheme 2023. Collection method: clinical testing. Allele origin: germline.

NM_000051.4(ATM):c.1683A>G (p.Gln561=)

Gene: ATM (ATM serine/threonine kinase; plus strand). Cytogenetic location: 11q22.3.
Variant type: single nucleotide variant.
Coding change: c.1683A>G on transcript NM_000051.4 (MANE Select); coding-DNA position 1683, A replaced by G.
Protein change: p.Gln561=; no amino-acid change (glutamine 561 retained).
Molecular consequence: synonymous variant.
Genome position (GRCh38, 1-based): chr11:108,251,912, A>G. VCF-style: chr11-108251912-A-G. GRCh37 (hg19) VCF-style: chr11-108122639-A-G.
Other names: c.1683A>G, p.Gln561= (NM_001351834.2).
Identifiers: ClinVar variation 232978 (VCV000232978.6), dbSNP rs876660110, ClinGen allele CA10579020.
Genomic context (GRCh38, chr11:108,251,912, plus strand): 5'-TTTGACTTTGGCACTGACCACCAGTATAGTTCCAGGAACGGTAAAAATGGGAATAGAGCA[A>G]AATATGTGTGAAGTAAATAGAAGCTTTTCTTTAAAGGAATCAATAATGAAATGGCTCTTA-3'
Protein context (NP_000042.3, residues 551-571): VPGTVKMGIE[Gln561=]NMCEVNRSFS